The following is an entry in ClinVar:

ClinVar aggregate classification (germline): Uncertain significance (1 of 4 stars; one submission).

Conditions:
Familial sleep-related hypermotor epilepsy. Also called: Autosomal Dominant Sleep-Related Hypermotor (Hyperkinetic) Epilepsy. Identifiers: Orphanet 98784, MedGen C3696898, MONDO:0000030.

gnomAD v4.1: 1 of 1,613,952 alleles (0.000062%); highest among the groups gnomAD compares: Non-Finnish European, 0.000085%; no homozygotes.

Submission:

Labcorp Genetics (formerly Invitae), Labcorp
Classification: Uncertain significance. Last evaluated: 2020-06-12. Review status: criteria provided, single submitter. Criteria: Invitae Variant Classification Sherloc (09022015). Collection method: clinical testing. Allele origin: germline.
Comment: In summary, the available evidence is currently insufficient to determine the role of this variant in disease. Therefore, it has been classified as a Variant of Uncertain Significance. Algorithms developed to predict the effect of missense changes on protein structure and function (SIFT, PolyPhen-2, Align-GVGD) all suggest that this variant is likely to be disruptive, but these predictions have not been confirmed by published functional studies and their clinical significance is uncertain. This sequence change replaces asparagine with threonine at codon 351 of the CHRNA2 protein (p.Asn351Thr). The asparagine residue is highly conserved and there is a small physicochemical difference between asparagine and threonine. This variant is not present in population databases (ExAC no frequency). This variant has not been reported in the literature in individuals with CHRNA2-related conditions.

NM_000742.4(CHRNA2):c.1052A>C (p.Asn351Thr)

Gene: CHRNA2 (cholinergic receptor nicotinic alpha 2 subunit; minus strand). Cytogenetic location: 8p21.2.
Variant type: single nucleotide variant.
Coding change: c.1052A>C on transcript NM_000742.4 (MANE Select); coding-DNA position 1052, A replaced by C.
Protein change: p.Asn351Thr; replaces asparagine 351 with threonine.
Molecular consequence: missense variant.
Genome position (GRCh38, 1-based): chr8:27,463,391, T>G on the plus strand (A>C on the coding strand, the complement: CHRNA2 is on the minus strand). VCF-style: chr8-27463391-T-G. GRCh37 (hg19) VCF-style: chr8-27320908-T-G.
Other names: c.1007A>C, p.Asn336Thr (NM_001282455.2); c.575A>C, p.Asn192Thr (NM_001347705.2, NM_001347706.2); c.458A>C, p.Asn153Thr (NM_001347707.2, NM_001347708.2); short protein forms N192T, N153T, N336T, N351T.
Identifiers: ClinVar variation 1045849 (VCV001045849.5), dbSNP rs770305730, ClinGen allele CA370809642.